The following is an entry in ClinVar:

NM_017617.5(NOTCH1):c.2909C>T (p.Thr970Ile)

Gene: NOTCH1 (notch receptor 1; minus strand). Cytogenetic location: 9q34.3.
Variant type: single nucleotide variant.
Coding change: c.2909C>T on transcript NM_017617.5 (MANE Select); coding-DNA position 2909, C replaced by T.
Protein change: p.Thr970Ile; replaces threonine 970 with isoleucine.
Molecular consequence: missense variant.
Genome position (GRCh38, 1-based): chr9:136,509,793, G>A on the plus strand (C>T on the coding strand, the complement: NOTCH1 is on the minus strand). VCF-style: chr9-136509793-G-A. GRCh37 (hg19) VCF-style: chr9-139404245-G-A.
Other names: short protein forms T970I.
Identifiers: ClinVar variation 3406812 (VCV003406812.3).
Genomic context (GRCh38, chr9:136,509,793, plus strand): 5'-CTCTCTGTGCAGTCAGGCGTGTTGTTCTCACAGTGGATCCCGCTGAAGCCTGCGGGGCAG[G>A]TGCACGTGTAGCTGTCCACGCAGTCCGTGCAGTTGGCCCCGTTGCGGCAGGGGTCACTGG-3'
Protein context (NP_060087.3, residues 960-980): CTDCVDSYTC[Thr970Ile]CPAGFSGIHC

ClinVar aggregate classification (germline): Conflicting classifications of pathogenicity. Review status: criteria provided, conflicting classifications (1 of 4 stars). 2 submissions from 2 submitters: Uncertain significance (1); Likely benign (1). Last evaluated 2025-09-22.

Conditions:
Adams-Oliver syndrome 5 (AOS5). Identifiers: Orphanet 974, MedGen C4014970, MONDO:0014459, OMIM 616028.
Familial thoracic aortic aneurysm and aortic dissection (TAAD). Also called: Thoracic aortic aneurysms and dissections. Identifiers: Orphanet 91387, MedGen C4707243, MONDO:0019625.

gnomAD v4.1: 45 of 1,613,134 alleles (0.0028%); highest among the groups gnomAD compares: South Asian, 0.044%; no homozygotes.

Submissions (2):

Labcorp Genetics (formerly Invitae), Labcorp
Classification: Likely benign for Adams-Oliver syndrome 5. Last evaluated: 2025-09-22. Review status: criteria provided, single submitter. Criteria: Invitae Variant Classification Sherloc (09022015). Collection method: clinical testing. Allele origin: germline.

Ambry Genetics
Classification: Uncertain significance for Familial thoracic aortic aneurysm and aortic dissection. Last evaluated: 2024-12-05. Review status: criteria provided, single submitter. Criteria: Ambry Variant Classification Scheme 2023. Collection method: clinical testing. Allele origin: germline.
Comment: The p.T970I variant (also known as c.2909C>T), located in coding exon 18 of the NOTCH1 gene, results from a C to T substitution at nucleotide position 2909. The threonine at codon 970 is replaced by isoleucine, an amino acid with similar properties. This amino acid position is conserved. In addition, the in silico prediction for this alteration is inconclusive. Based on the available evidence, the clinical significance of this variant remains unclear.